The following is an entry in ClinVar:

NM_002857.4(PEX19):c.817C>A (p.Pro273Thr)

Gene: PEX19 (peroxisomal biogenesis factor 19; minus strand). Cytogenetic location: 1q23.2.
Variant type: single nucleotide variant.
Coding change: c.817C>A on transcript NM_002857.4 (MANE Select); coding-DNA position 817, C replaced by A.
Protein change: p.Pro273Thr; replaces proline 273 with threonine.
Molecular consequence: missense variant. On other transcripts: non-coding transcript variant (2), intron variant (1).
Genome position (GRCh38, 1-based): chr1:160,279,634, G>T on the plus strand (C>A on the coding strand, the complement: PEX19 is on the minus strand). VCF-style: chr1-160279634-G-T. GRCh37 (hg19) VCF-style: chr1-160249424-G-T.
Other names: c.817-52C>A (NM_001193644.1); c.817C>A (NM_002857.3); short protein forms P273T.
Identifiers: ClinVar variation 1418134 (VCV001418134.7), dbSNP rs760797797, ClinGen allele CA1197207.

ClinVar aggregate classification (germline): Uncertain significance. Review status: criteria provided, multiple submitters, no conflicts (2 of 4 stars). 2 submissions from 2 submitters: Uncertain significance (2). Last evaluated 2024-10-01.

Conditions:
Inborn genetic diseases. Identifiers: MedGen C0950123, MeSH D030342.
Peroxisome biogenesis disorder 12A (Zellweger). Also called: Peroxisome biogenesis disorder 12A. Identifiers: Orphanet 912, MedGen C3554002, MONDO:0013951, OMIM 614886.

Allele frequency attached by ClinVar (database versions not stated): gnomAD exomes below 0.00001 and 0.00001; TOPMed below 0.00001; ExAC 0.00002.
gnomAD v4.1: 9 of 1,613,740 alleles (0.00056%); highest among the groups gnomAD compares: Non-Finnish European, 0.00068%; no homozygotes.

Submissions (2):

Ambry Genetics
Classification: Uncertain significance for Inborn genetic diseases. Last evaluated: 2024-10-01. Review status: criteria provided, single submitter. Criteria: Ambry Variant Classification Scheme 2023. Collection method: clinical testing. Allele origin: germline.

Labcorp Genetics (formerly Invitae), Labcorp
Classification: Uncertain significance for Peroxisome biogenesis disorder 12A (Zellweger). Last evaluated: 2022-07-06. Review status: criteria provided, single submitter. Criteria: Invitae Variant Classification Sherloc (09022015). Collection method: clinical testing. Allele origin: germline.
Comment: This sequence change replaces proline, which is neutral and non-polar, with threonine, which is neutral and polar, at codon 273 of the PEX19 protein (p.Pro273Thr). This variant is present in population databases (rs760797797, gnomAD 0.0009%). This variant has not been reported in the literature in individuals affected with PEX19-related conditions. ClinVar contains an entry for this variant (Variation ID: 1418134). Algorithms developed to predict the effect of missense changes on protein structure and function are either unavailable or do not agree on the potential impact of this missense change (SIFT: "Tolerated"; PolyPhen-2: "Possibly Damaging"; Align-GVGD: "Class C0"). In summary, the available evidence is currently insufficient to determine the role of this variant in disease. Therefore, it has been classified as a Variant of Uncertain Significance.